The following is an entry in ClinVar:

ClinVar aggregate classification (germline): Conflicting classifications of pathogenicity. Review status: criteria provided, conflicting classifications (1 of 4 stars). 2 submissions from 1 submitter: Uncertain significance (1); Benign (1). Last evaluated 2018-01-13.

Conditions:
Autosomal recessive Robinow syndrome (RRS1). Also called: COSTOVERTEBRAL SEGMENTATION DEFECT WITH MESOMELIA; COVESDEM SYNDROME; ROR2-Related Robinow Syndrome; ROBINOW SYNDROME, AUTOSOMAL RECESSIVE 1. Identifiers: Orphanet 1507, Orphanet 97360, MedGen C5399974, MONDO:0009999, OMIM 268310.
Brachydactyly type B1 (BDB1). Identifiers: Orphanet 572385, Orphanet 93383, MedGen C1862112, MONDO:0007220, OMIM 113000.

Allele frequency attached by ClinVar (database versions not stated): gnomAD exomes 0.00001; TOPMed 0.00007; 1000 Genomes Project 0.00040; 1000 Genomes Project 30x 0.00047.
gnomAD v4.1: 23 of 1,494,712 alleles (0.0015%); highest among the groups gnomAD compares: Middle Eastern, 0.025%; no homozygotes.

Submissions (2):

Illumina Laboratory Services, Illumina
Classification: Uncertain significance for Autosomal recessive Robinow syndrome. Last evaluated: 2018-01-13. Review status: criteria provided, single submitter. Criteria: ICSL Variant Classification Criteria 13 December 2019. Collection method: clinical testing. Allele origin: germline.

Illumina Laboratory Services, Illumina
Classification: Benign for Brachydactyly type B1. Last evaluated: 2018-01-13. Review status: criteria provided, single submitter. Criteria: ICSL Variant Classification Criteria 13 December 2019. Collection method: clinical testing. Allele origin: germline.
Comment: This variant was observed in the ICSL laboratory as part of a predisposition screen in an ostensibly healthy population. It had not been previously curated by ICSL or reported in the Human Gene Mutation Database (HGMD: prior to June 1st, 2018), and was therefore a candidate for classification through an automated scoring system. Utilizing variant allele frequency, disease prevalence and penetrance estimates, and inheritance mode, an automated score was calculated to assess if this variant is too frequent to cause the disease. Based on the score and internal cut-off values, a variant classified as benign is not then subjected to further curation. The score for this variant resulted in a classification of benign for this disease.

NM_004560.4(ROR2):c.*106C>T

Gene: ROR2 (receptor tyrosine kinase like orphan receptor 2; minus strand). Cytogenetic location: 9q22.31.
Variant type: single nucleotide variant.
Coding change: c.*106C>T on transcript NM_004560.4 (MANE Select); 106 bases downstream of the stop codon, C replaced by T.
Molecular consequence: 3 prime UTR variant.
Genome position (GRCh38, 1-based): chr9:91,723,556, G>A on the plus strand (C>T on the coding strand, the complement: ROR2 is on the minus strand). VCF-style: chr9-91723556-G-A. GRCh37 (hg19) VCF-style: chr9-94485838-G-A.
Identifiers: ClinVar variation 914737 (VCV000914737.4), dbSNP rs531108921, ClinGen allele CA195321015.